The following is an entry in ClinVar:

ClinVar aggregate classification (germline): Benign/Likely benign. Review status: criteria provided, multiple submitters, no conflicts (2 of 4 stars). 3 submissions from 3 submitters: Benign (1); Likely benign (2). Last evaluated 2024-12-31.

Conditions:
Hereditary cancer-predisposing syndrome. Also called: Hereditary Cancer Syndrome; Neoplastic Syndromes, Hereditary; Hereditary neoplastic syndrome; Tumor predisposition. Identifiers: Orphanet 140162, MedGen C0027672, MeSH D009386, MONDO:0015356.
Lynch syndrome 5 (LYNCH5). Also called: Hereditary non-polyposis colorectal cancer, type 5; Colorectal cancer, hereditary nonpolyposis, type 5. Identifiers: Orphanet 144, MedGen C1833477, MONDO:0013710, OMIM 614350. Disease mechanism: loss of function.
Hereditary nonpolyposis colorectal neoplasms. Identifiers: MedGen C0009405, MeSH D003123.

Submissions (3):

Myriad Genetics, Inc.
Classification: Benign for Lynch syndrome 5. Last evaluated: 2024-12-31. Review status: criteria provided, single submitter. Criteria: Myriad Autosomal Dominant, Autosomal Recessive and X-Linked Classification Criteria (2023). Collection method: clinical testing. Allele origin: unknown.
Comment: This variant is considered benign. This variant is a silent/synonymous amino acid change and it is not expected to impact splicing.

Labcorp Genetics (formerly Invitae), Labcorp
Classification: Likely benign for Hereditary nonpolyposis colorectal neoplasms. Last evaluated: 2024-07-13. Review status: criteria provided, single submitter. Criteria: Invitae Variant Classification Sherloc (09022015). Collection method: clinical testing. Allele origin: germline.

Ambry Genetics
Classification: Likely benign for Hereditary cancer-predisposing syndrome. Last evaluated: 2016-04-20. Review status: criteria provided, single submitter. Criteria: Ambry Variant Classification Scheme 2023. Collection method: clinical testing. Allele origin: germline.

NM_000179.3(MSH6):c.2547A>T (p.Thr849=)

Gene: MSH6 (mutS homolog 6; plus strand). Cytogenetic location: 2p16.3.
Variant type: single nucleotide variant.
Coding change: c.2547A>T on transcript NM_000179.3 (MANE Select); coding-DNA position 2547, A replaced by T.
Protein change: p.Thr849=; no amino-acid change (threonine 849 retained).
Molecular consequence: synonymous variant.
Genome position (GRCh38, 1-based): chr2:47,800,530, A>T. VCF-style: chr2-47800530-A-T. GRCh37 (hg19) VCF-style: chr2-48027669-A-T.
Other names: c.2157A>T, p.Thr719= (NM_001281492.2); c.1641A>T, p.Thr547= (NM_001281493.2, NM_001281494.2).
Identifiers: ClinVar variation 428384 (VCV000428384.14), dbSNP rs769018957, ClinGen allele CA426121560.
Genomic context (GRCh38, chr2:47,800,530, plus strand): 5'-GTCTCCCCTGAAGAGTCAGAACCACCCAGACAGCAGGGCTATAATGTATGAAGAAACTAC[A>T]TACAGCAAGAAGAAGATTATTGATTTTCTTTCTGCTCTGGAAGGATTCAAAGTAATGTGT-3'
Protein context (NP_000170.1, residues 839-859): DSRAIMYEET[Thr849=]YSKKKIIDFL